The following is an entry in ClinVar:

NM_000051.4(ATM):c.8435_8437del (p.Ser2812del)

Genes: ATM (ATM serine/threonine kinase; plus strand), C11orf65 (chromosome 11 open reading frame 65; minus strand). Cytogenetic location: 11q22.3.
Variant type: Deletion.
Coding change: c.8435_8437del on transcript NM_000051.4 (MANE Select); coding-DNA positions 8435 to 8437, 3 bases deleted (CTT; older notation c.8435_8437delCTT).
Protein change: p.Ser2812del; deletes serine 2812.
Molecular consequence: inframe deletion. On other transcripts: inframe indel (1), intron variant (2).
Genome position (GRCh38, 1-based): chr11:108,345,759-108,345,761, CTT deleted; deleting any 3 consecutive bases within chr11:108,345,758-108,345,761 gives the same sequence; the c. name uses the placement nearest the transcript's 3' end. VCF-style (leftmost placement, unchanged base first): chr11-108345757-GTCT-G. GRCh37 (hg19) VCF-style: chr11-108216484-GTCT-G.
Other names: c.8435_8437delCTT, p.Ser2812del (NM_000051.3); c.8435_8437del, p.Ser2812del (NM_001351834.2); c.641-36689_641-36687del (NM_001330368.2); c.695-10468_695-10466del (NM_001351110.2); short protein forms S2812del.
Identifiers: ClinVar variation 643879 (VCV000643879.10), dbSNP rs1591264086, ClinGen allele CA915948327.

ClinVar aggregate classification (germline): Uncertain significance (1 of 4 stars; one submission).

Conditions:
Ataxia-telangiectasia syndrome (AT). Also called: Ataxia-telangiectasia, complementation group D; AT, COMPLEMENTATION GROUP C; ATAXIA-TELANGIECTASIA, COMPLEMENTATION GROUP A; ATAXIA-TELANGIECTASIA, FRESNO VARIANT; Ataxia-telangiectasia; LOUIS-BAR SYNDROME. Identifiers: Orphanet 100, MedGen C0004135, MONDO:0008840, OMIM 208900.

Submission:

Labcorp Genetics (formerly Invitae), Labcorp
Classification: Uncertain significance for Ataxia-telangiectasia syndrome. Last evaluated: 2018-12-25. Review status: criteria provided, single submitter. Criteria: Invitae Variant Classification Sherloc (09022015). Collection method: clinical testing. Allele origin: germline.
Comment: This variant is not present in population databases (ExAC no frequency). This variant has not been reported in the literature in individuals with ATM-related conditions. Experimental studies and prediction algorithms are not available for this variant, and the functional significance of the affected amino acid(s) is currently unknown. In summary, the available evidence is currently insufficient to determine the role of this variant in disease. Therefore, it has been classified as a Variant of Uncertain Significance. This variant, c.8435_8437del, results in the deletion of 1 amino acid of the ATM protein (p.Ser2812del), but otherwise preserves the integrity of the reading frame.